The following is an entry in ClinVar:

NM_173039.3(AQP11):c.434A>C (p.Gln145Pro)

Gene: AQP11 (aquaporin 11; plus strand). Cytogenetic location: 11q14.1.
Variant type: single nucleotide variant.
Coding change: c.434A>C on transcript NM_173039.3 (MANE Select); coding-DNA position 434, A replaced by C.
Protein change: p.Gln145Pro; replaces glutamine 145 with proline.
Molecular consequence: missense variant.
Genome position (GRCh38, 1-based): chr11:77,590,426, A>C. VCF-style: chr11-77590426-A-C. GRCh37 (hg19) VCF-style: chr11-77301471-A-C.
Other names: c.434A>C, p.Gln145Pro (NM_001363477.2); short protein forms Q145P.
Identifiers: ClinVar variation 2642190 (VCV002642190.24), dbSNP rs145893530, ClinGen allele CA6200318.

ClinVar aggregate classification (germline): Likely benign (1 of 4 stars; one submission).

Allele frequency attached by ClinVar (database versions not stated): 1000 Genomes Project 0.00240; 1000 Genomes Project 30x 0.00250; ExAC 0.00369; ESP Exome Variant Server 0.00416; gnomAD 0.00432.
gnomAD v4.1: 9,300 of 1,614,070 alleles (0.58%); highest among the groups gnomAD compares: Middle Eastern, 0.82%; 41 homozygotes.

Submission:

CeGaT Center for Human Genetics Tuebingen
Classification: Likely benign. Last evaluated: 2023-01-01. Review status: criteria provided, single submitter. Criteria: CeGaT Center For Human Genetics Tuebingen Variant Classification Criteria Version 2. Collection method: clinical testing. Allele origin: germline. Affected: yes. Observed: 1 variant allele.
Comment: AQP11: BP4, BS2